The following is an entry in ClinVar:

ClinVar aggregate classification (germline): Uncertain significance (1 of 4 stars; one submission).

Conditions:
Early Myoclonic Encephalopathy. Identifiers: MedGen C0270855.

Allele frequency attached by ClinVar (database versions not stated): gnomAD exomes below 0.00001.
gnomAD v4.1: 1 of 1,614,138 alleles (0.000062%); highest among the groups gnomAD compares: Non-Finnish European, 0.000085%; no homozygotes.

Submission:

Labcorp Genetics (formerly Invitae), Labcorp
Classification: Uncertain significance for Early Myoclonic Encephalopathy. Last evaluated: 2022-08-22. Review status: criteria provided, single submitter. Criteria: Invitae Variant Classification Sherloc (09022015). Collection method: clinical testing. Allele origin: germline.
Comment: In summary, the available evidence is currently insufficient to determine the role of this variant in disease. Therefore, it has been classified as a Variant of Uncertain Significance. This sequence change replaces isoleucine, which is neutral and non-polar, with threonine, which is neutral and polar, at codon 1424 of the JMJD1C protein (p.Ile1424Thr). This variant is not present in population databases (gnomAD no frequency). This variant has not been reported in the literature in individuals affected with JMJD1C-related conditions. Algorithms developed to predict the effect of missense changes on protein structure and function output the following: SIFT: "Tolerated"; PolyPhen-2: "Benign"; Align-GVGD: "Class C0". The threonine amino acid residue is found in multiple mammalian species, which suggests that this missense change does not adversely affect protein function.

NM_032776.3(JMJD1C):c.4271T>C (p.Ile1424Thr)

Gene: JMJD1C (jumonji domain containing 1C; minus strand). Cytogenetic location: 10q21.3.
Variant type: single nucleotide variant.
Coding change: c.4271T>C on transcript NM_032776.3 (MANE Select); coding-DNA position 4271, T replaced by C.
Protein change: p.Ile1424Thr; replaces isoleucine 1424 with threonine.
Molecular consequence: missense variant. On other transcripts: non-coding transcript variant (1).
Genome position (GRCh38, 1-based): chr10:63,207,398, A>G on the plus strand (T>C on the coding strand, the complement: JMJD1C is on the minus strand). VCF-style: chr10-63207398-A-G. GRCh37 (hg19) VCF-style: chr10-64967158-A-G.
Other names: c.3725T>C, p.Ile1242Thr (NM_001282948.2, NM_001318154.2); c.3407T>C, p.Ile1136Thr (NM_001318153.2); c.4157T>C, p.Ile1386Thr (NM_001322252.2); c.3614T>C, p.Ile1205Thr (NM_001322254.2, NM_001322258.2); short protein forms I1136T, I1205T, I1242T, I1386T, I1424T.
Identifiers: ClinVar variation 1717742 (VCV001717742.5), dbSNP rs2492675745, ClinGen allele CA377038139.